The following is an entry in ClinVar:

NM_206933.4(USH2A):c.3326_3327del (p.Tyr1109fs)

Genes: USH2A (usherin; minus strand), USH2A-AS1 (USH2A antisense RNA 1; plus strand). Cytogenetic location: 1q41.
Variant type: Deletion.
Coding change: c.3326_3327del on transcript NM_206933.4 (MANE Select); coding-DNA positions 3326 to 3327, 2 bases deleted (AC; older notation c.3326_3327delAC).
Protein change: p.Tyr1109fs; shifts the reading frame from tyrosine 1109.
Molecular consequence: frameshift variant.
Genome position (GRCh38, 1-based): chr1:216,200,111-216,200,112, GT deleted on the plus strand (AC on the coding strand, the reverse complement: USH2A is on the minus strand). VCF-style (leftmost placement, unchanged base first): chr1-216200110-AGT-A. GRCh37 (hg19) VCF-style: chr1-216373452-AGT-A.
Other names: c.3326_3327del, p.Tyr1109fs (NM_007123.6); short protein forms Y1109fs.
Identifiers: ClinVar variation 5014961 (VCV005014961.1).

ClinVar aggregate classification (germline): Pathogenic (1 of 4 stars; one submission).

Conditions:
USH2A-related disorder. Also called: USH2A-related condition; USH2A-related disorders. Identifiers: MedGen CN239332.

Submission:

Myriad Genetics, Inc.
Classification: Pathogenic for USH2A-related disorder. Last evaluated: 2025-09-11. Review status: criteria provided, single submitter. Criteria: Myriad Autosomal Dominant, Autosomal Recessive and X-Linked Classification Criteria (2023). Collection method: clinical testing. Allele origin: unknown.
Comment: NM_206933.2(USH2A):c.3326_3327delAC(Y1109Ffs*17) is expected to be pathogenic in the context of USH2A-related disorders. This variant is predicted to lead to an abnormal or absent protein product due to the creation of a premature termination codon in USH2A, a gene where loss-of-function variants are known to be pathogenic. Please note: this variant was assessed in the context of healthy population screening.